The following is an entry in ClinVar:

NM_006343.3(MERTK):c.883A>C (p.Ser295Arg)

Gene: MERTK (MER proto-oncogene, tyrosine kinase; plus strand). Cytogenetic location: 2q13.
Variant type: single nucleotide variant.
Coding change: c.883A>C on transcript NM_006343.3 (MANE Select); coding-DNA position 883, A replaced by C.
Protein change: p.Ser295Arg; replaces serine 295 with arginine.
Molecular consequence: missense variant.
Genome position (GRCh38, 1-based): chr2:111,968,175, A>C. VCF-style: chr2-111968175-A-C. GRCh37 (hg19) VCF-style: chr2-112725752-A-C.
Other names: c.883A>C (NM_006343.2); short protein forms S295R.
Identifiers: ClinVar variation 1426654 (VCV001426654.7), dbSNP rs746561089, ClinGen allele CA53583446.

ClinVar aggregate classification (germline): Uncertain significance. Review status: criteria provided, multiple submitters, no conflicts (2 of 4 stars). 3 submissions from 3 submitters: Uncertain significance (3). Last evaluated 2025-12-23.

Conditions:
MERTK-related disorder. Also called: MERTK-related condition.
Inborn genetic diseases. Identifiers: MedGen C0950123, MeSH D030342.

Allele frequency attached by ClinVar (database versions not stated): gnomAD exomes below 0.00001; gnomAD 0.00001; TOPMed 0.00001.
gnomAD v4.1: 16 of 1,613,956 alleles (0.00099%); highest among the groups gnomAD compares: Non-Finnish European, 0.0014%; no homozygotes.

Submissions (3):

PreventionGenetics, part of Exact Sciences
Classification: Uncertain significance for MERTK-related condition. Last evaluated: 2025-12-23. Review status: criteria provided, single submitter. Criteria: ACMG Guidelines, 2015. Collection method: clinical testing. Allele origin: germline.
Comment: The MERTK c.883A>C variant is predicted to result in the amino acid substitution p.Ser295Arg. To our knowledge, this variant has not been reported in the literature. This variant is reported in 0.0015% of alleles in individuals of European (Non-Finnish) descent in gnomAD. At this time, the clinical significance of this variant is uncertain due to the absence of conclusive functional and genetic evidence.

Ambry Genetics
Classification: Uncertain significance for Inborn genetic diseases. Last evaluated: 2024-12-22. Review status: criteria provided, single submitter. Criteria: Ambry Variant Classification Scheme 2023. Collection method: clinical testing. Allele origin: germline.

Labcorp Genetics (formerly Invitae), Labcorp
Classification: Uncertain significance. Last evaluated: 2021-09-01. Review status: criteria provided, single submitter. Criteria: Invitae Variant Classification Sherloc (09022015). Collection method: clinical testing. Allele origin: germline.
Comment: This sequence change replaces serine with arginine at codon 295 of the MERTK protein (p.Ser295Arg). The serine residue is highly conserved and there is a moderate physicochemical difference between serine and arginine. This variant is not present in population databases (ExAC no frequency). This variant has not been reported in the literature in individuals affected with MERTK-related conditions. Algorithms developed to predict the effect of missense changes on protein structure and function output the following: SIFT: "Deleterious"; PolyPhen-2: "Benign"; Align-GVGD: "Class C0". The arginine amino acid residue is found in multiple mammalian species, which suggests that this missense change does not adversely affect protein function. In summary, the available evidence is currently insufficient to determine the role of this variant in disease. Therefore, it has been classified as a Variant of Uncertain Significance.